The following is an entry in ClinVar:

ClinVar aggregate classification (germline): Likely pathogenic (1 of 4 stars; one submission).

Conditions:
Neurofibromatosis, type 1 (NF1). Also called: NEUROFIBROMATOSIS, TYPE I, SOMATIC; VON RECKLINGHAUSEN DISEASE; Neurofibromatosis, type I; Peripheral type neurofibromatosis. Identifiers: Orphanet 636, MedGen C0027831, MONDO:0018975, OMIM 162200. Disease mechanism: loss of function.

Submission:

Labcorp Genetics (formerly Invitae), Labcorp
Classification: Likely pathogenic for Neurofibromatosis, type 1. Last evaluated: 2019-09-17. Review status: criteria provided, single submitter. Criteria: Invitae Variant Classification Sherloc (09022015). Collection method: clinical testing. Allele origin: germline.
Comment: This variant is not present in population databases (ExAC no frequency). This sequence change affects a donor splice site in intron 24 of the NF1 gene. It is expected to disrupt RNA splicing and likely results in an absent or disrupted protein product. Disruption of this splice site has been observed in individuals with clinical features of neurofibromatosis type 1 (PMID: 10607834, 18546366). In summary, the currently available evidence indicates that the variant is pathogenic, but additional data are needed to prove that conclusively. Therefore, this variant has been classified as Likely Pathogenic. Donor and acceptor splice site variants typically lead to a loss of protein function (PMID: 16199547), and loss-of-function variants in NF1 are known to be pathogenic (PMID: 10712197, 23913538). Algorithms developed to predict the effect of sequence changes on RNA splicing suggest that this variant may disrupt the consensus splice site, but this prediction has not been confirmed by published transcriptional studies.

Literature cited by the submitters: PubMed 10607834; PubMed 18546366; PubMed 16199547; PubMed 10712197; PubMed 23913538.

NM_001042492.3(NF1):c.3197+2del

Gene: NF1 (neurofibromin 1; plus strand). Cytogenetic location: 17q11.2.
Variant type: Deletion.
Coding change: c.3197+2del on transcript NM_001042492.3 (MANE Select); the canonical splice donor site of the intron after coding-DNA position 3197, one base deleted (T; older notation c.3197+2delT).
Molecular consequence: splice donor variant.
Genome position (GRCh38, 1-based): chr17:31,230,927, T deleted. VCF-style (leftmost placement, unchanged base first): chr17-31230926-GT-G. GRCh37 (hg19) VCF-style: chr17-29557944-GT-G.
Other names: c.3197+2delT (NM_000267.3); c.3197+2del (NM_000267.4).
Identifiers: ClinVar variation 643763 (VCV000643763.8), dbSNP rs1597717694, ClinGen allele CA915949857.
Genomic context (GRCh38, chr17:31,230,926, plus strand): 5'-AGACTGGGTTATGGGAACATCAAACCAAGCAGCAGATGATGATGTAAAATGTCTTACAAG[GT>G]AAAAAAAGAATGACCTTCAAGTATTAGTGGGTTTTACTGTGAGAGTTATAACTACTTAAT-3'